The following is an entry in ClinVar:

NM_015662.3(IFT172):c.4464G>A (p.Met1488Ile)

Gene: IFT172 (intraflagellar transport 172; minus strand). Cytogenetic location: 2p23.3.
Variant type: single nucleotide variant.
Coding change: c.4464G>A on transcript NM_015662.3 (MANE Select); coding-DNA position 4464, G replaced by A.
Protein change: p.Met1488Ile; replaces methionine 1488 with isoleucine.
Molecular consequence: missense variant.
Genome position (GRCh38, 1-based): chr2:27,447,887, C>T on the plus strand (G>A on the coding strand, the complement: IFT172 is on the minus strand). VCF-style: chr2-27447887-C-T. GRCh37 (hg19) VCF-style: chr2-27670754-C-T.
Other names: c.4398G>A, p.Met1466Ile (NM_001410739.1); short protein forms M1488I, M1466I.
Identifiers: ClinVar variation 2082830 (VCV002082830.2), dbSNP rs1396855176, ClinGen allele CA346417855.

ClinVar aggregate classification (germline): Uncertain significance (1 of 4 stars; one submission).

Conditions:
Short-rib thoracic dysplasia 10 with or without polydactyly (SRTD10). Identifiers: Orphanet 474, MedGen C3810175, MONDO:0014284, OMIM 615630.
Retinitis pigmentosa 71 (RP71). Identifiers: Orphanet 791, MedGen C4225342, MONDO:0014618, OMIM 616394.

Allele frequency attached by ClinVar (database versions not stated): TOPMed below 0.00001; gnomAD 0.00001.

Submission:

Labcorp Genetics (formerly Invitae), Labcorp
Classification: Uncertain significance for Retinitis pigmentosa 71; Short-rib thoracic dysplasia 10 with or without polydactyly. Last evaluated: 2022-01-18. Review status: criteria provided, single submitter. Criteria: Invitae Variant Classification Sherloc (09022015). Collection method: clinical testing. Allele origin: germline.
Comment: This sequence change replaces methionine, which is neutral and non-polar, with isoleucine, which is neutral and non-polar, at codon 1488 of the IFT172 protein (p.Met1488Ile). In summary, the available evidence is currently insufficient to determine the role of this variant in disease. Therefore, it has been classified as a Variant of Uncertain Significance. Algorithms developed to predict the effect of sequence changes on RNA splicing suggest that this variant may create or strengthen a splice site. Algorithms developed to predict the effect of missense changes on protein structure and function (SIFT, PolyPhen-2, Align-GVGD) all suggest that this variant is likely to be tolerated. This variant has not been reported in the literature in individuals affected with IFT172-related conditions. This variant is present in population databases (no rsID available, gnomAD 0.007%).